The following is an entry in ClinVar:

NM_001127496.3(SPRY4):c.819C>G (p.Cys273Trp)

Gene: SPRY4 (sprouty RTK signaling antagonist 4; minus strand). Cytogenetic location: 5q31.3.
Variant type: single nucleotide variant.
Coding change: c.819C>G on transcript NM_001127496.3 (MANE Select); coding-DNA position 819, C replaced by G.
Protein change: p.Cys273Trp; replaces cysteine 273 with tryptophan.
Molecular consequence: missense variant.
Genome position (GRCh38, 1-based): chr5:142,314,290, G>C on the plus strand (C>G on the coding strand, the complement: SPRY4 is on the minus strand). VCF-style: chr5-142314290-G-C. GRCh37 (hg19) VCF-style: chr5-141693855-G-C.
Other names: c.819C>G, p.Cys273Trp (NM_001293289.3, NM_001293290.3); c.888C>G, p.Cys296Trp (NM_030964.5); short protein forms C273W, C296W.
Identifiers: ClinVar variation 2500630 (VCV002500630.1), dbSNP rs2479793279, ClinGen allele CA361599306.

ClinVar aggregate classification (germline): Uncertain significance (1 of 4 stars; one submission).

Submission:

GeneDx
Classification: Uncertain significance. Last evaluated: 2022-10-20. Review status: criteria provided, single submitter. Criteria: GeneDx Variant Classification Process June 2021. Collection method: clinical testing. Allele origin: germline. Affected: yes.
Comment: Not observed at significant frequency in large population cohorts (gnomAD); In silico analysis supports that this missense variant has a deleterious effect on protein structure/function; Has not been previously published as pathogenic or benign to our knowledge